The following is an entry in ClinVar:

ClinVar aggregate classification (germline): Uncertain significance (1 of 4 stars; one submission).

Conditions:
Maple syrup urine disease, mild variant (MSUDMV). Identifiers: Orphanet 511, MedGen C3554575, MONDO:0014057, OMIM 615135.

Allele frequency attached by ClinVar (database versions not stated): gnomAD exomes 0.00001; TOPMed 0.00004; ExAC 0.00006; gnomAD 0.00006; ESP Exome Variant Server 0.00015.
gnomAD v4.1: 29 of 1,613,952 alleles (0.0018%); highest among the groups gnomAD compares: Middle Eastern, 0.033%; no homozygotes.

Submission:

Labcorp Genetics (formerly Invitae), Labcorp
Classification: Uncertain significance for Maple syrup urine disease, mild variant. Last evaluated: 2022-12-05. Review status: criteria provided, single submitter. Criteria: Invitae Variant Classification Sherloc (09022015). Collection method: clinical testing. Allele origin: germline.
Comment: This sequence change replaces arginine, which is basic and polar, with tryptophan, which is neutral and slightly polar, at codon 33 of the PPM1K protein (p.Arg33Trp). This variant is present in population databases (rs376655463, gnomAD 0.02%). This variant has not been reported in the literature in individuals affected with PPM1K-related conditions. Algorithms developed to predict the effect of missense changes on protein structure and function output the following: SIFT: "Tolerated"; PolyPhen-2: "Benign"; Align-GVGD: "Class C0". The tryptophan amino acid residue is found in multiple mammalian species, which suggests that this missense change does not adversely affect protein function. Algorithms developed to predict the effect of sequence changes on RNA splicing suggest that this variant may create or strengthen a splice site. In summary, the available evidence is currently insufficient to determine the role of this variant in disease. Therefore, it has been classified as a Variant of Uncertain Significance.

NM_152542.5(PPM1K):c.97C>T (p.Arg33Trp)

Gene: PPM1K (protein phosphatase, Mg2+/Mn2+ dependent 1K; minus strand). Cytogenetic location: 4q22.1.
Variant type: single nucleotide variant.
Coding change: c.97C>T on transcript NM_152542.5 (MANE Select); coding-DNA position 97, C replaced by T.
Protein change: p.Arg33Trp; replaces arginine 33 with tryptophan.
Molecular consequence: missense variant.
Genome position (GRCh38, 1-based): chr4:88,278,487, G>A on the plus strand (C>T on the coding strand, the complement: PPM1K is on the minus strand). VCF-style: chr4-88278487-G-A. GRCh37 (hg19) VCF-style: chr4-89199639-G-A.
Other names: short protein forms R33W.
Identifiers: ClinVar variation 2747217 (VCV002747217.3), dbSNP rs376655463, ClinGen allele CA3005364.